The following is an entry in ClinVar:

ClinVar aggregate classification (germline): Uncertain significance (1 of 4 stars; one submission).

Submission:

Genomics, Genetics and Epigenetics Laboratory, Medical College of Wisconsin
Classification: Uncertain significance. Last evaluated: 2025-08-21. Review status: criteria provided, single submitter. Criteria: ACMG Guidelines, 2015. Collection method: research. Allele origin: de novo. Affected: yes.
Comment: The NM_001076786.3:c.2685del is predicted to lead to frameshift and nonsense-mediated decay. The variant is de novo and absent in gnomAD v4.1.0

NM_001076786.3(QSER1):c.2685del (p.Phe896fs)

Gene: QSER1 (glutamine and serine rich 1; plus strand). Cytogenetic location: 11p13.
Variant type: Deletion.
Coding change: c.2685del on transcript NM_001076786.3 (MANE Select); coding-DNA position 2685, one base deleted (C; older notation c.2685delC).
Protein change: p.Phe896fs; shifts the reading frame from phenylalanine 896.
Molecular consequence: frameshift variant.
Genome position (GRCh38, 1-based): chr11:32,933,943, C deleted; the last of 3 consecutive C bases (chr11:32,933,941-32,933,943); deleting any one gives the same sequence. VCF-style (leftmost placement, unchanged base first): chr11-32933940-TC-T. GRCh37 (hg19) VCF-style: chr11-32955486-TC-T.
Other names: c.2685del, p.Phe896fs (NM_001416036.1, NM_001416037.1, NM_001416039.1); c.2523del, p.Phe842fs (NM_001416038.1); short protein forms F842fs, F896fs.
Identifiers: ClinVar variation 4076971 (VCV004076971.1).